The following is an entry in ClinVar:

NM_001371333.1(DIABLO):c.28C>T (p.Arg10Cys)

Genes: DIABLO (diablo IAP-binding mitochondrial protein; minus strand), LOC130009040 (ATAC-STARR-seq lymphoblastoid active region 7211; plus strand). Cytogenetic location: 12q24.31.
Variant type: single nucleotide variant.
Coding change: c.28C>T on transcript NM_001371333.1 (MANE Select); coding-DNA position 28, C replaced by T.
Protein change: p.Arg10Cys; replaces arginine 10 with cysteine.
Molecular consequence: missense variant. On other transcripts: 5 prime UTR variant (3).
Genome position (GRCh38, 1-based): chr12:122,225,987, G>A on the plus strand (C>T on the coding strand, the complement: DIABLO is on the minus strand). VCF-style: chr12-122225987-G-A. GRCh37 (hg19) VCF-style: chr12-122710534-G-A.
Other names: c.-103C>T (NM_001278302.1, NM_138930.3); c.-59C>T (NM_001278303.1); c.28C>T, p.Arg10Cys (NM_001278342.1, NM_019887.6); short protein forms R10C.
Identifiers: ClinVar variation 2331654 (VCV002331654.5), dbSNP rs370060703, ClinGen allele CA244726217.

ClinVar aggregate classification (germline): Uncertain significance. Review status: criteria provided, multiple submitters, no conflicts (2 of 4 stars). 2 submissions from 2 submitters: Uncertain significance (2). Last evaluated 2022-12-26.

Allele frequency attached by ClinVar (database versions not stated): gnomAD 0.00001; TOPMed 0.00001; ESP Exome Variant Server 0.00008; 1000 Genomes Project 30x 0.00016.
gnomAD v4.1: 12 of 1,602,536 alleles (0.00075%); highest among the groups gnomAD compares: East Asian, 0.0022%; no homozygotes.

Submissions (2):

Labcorp Genetics (formerly Invitae), Labcorp
Classification: Uncertain significance. Last evaluated: 2022-12-26. Review status: criteria provided, single submitter. Criteria: Invitae Variant Classification Sherloc (09022015). Collection method: clinical testing. Allele origin: germline.
Comment: In summary, the available evidence is currently insufficient to determine the role of this variant in disease. Therefore, it has been classified as a Variant of Uncertain Significance. This sequence change replaces arginine, which is basic and polar, with cysteine, which is neutral and slightly polar, at codon 10 of the DIABLO protein (p.Arg10Cys). The frequency data for this variant in the population databases is considered unreliable, as metrics indicate poor data quality at this position in the gnomAD database. This variant has not been reported in the literature in individuals affected with DIABLO-related conditions. Algorithms developed to predict the effect of missense changes on protein structure and function are either unavailable or do not agree on the potential impact of this missense change (SIFT: "Tolerated"; PolyPhen-2: "Probably Damaging"; Align-GVGD: "Class C0").

Ambry Genetics
Classification: Uncertain significance. Last evaluated: 2022-12-02. Review status: criteria provided, single submitter. Criteria: Ambry Variant Classification Scheme 2023. Collection method: clinical testing. Allele origin: germline.